The following is an entry in ClinVar:

NM_001605.3(AARS1):c.1347+21A>G

Gene: AARS1 (alanyl-tRNA synthetase 1; minus strand). Cytogenetic location: 16q22.1.
Variant type: single nucleotide variant.
Coding change: c.1347+21A>G on transcript NM_001605.3 (MANE Select); 21 bases into the intron after coding-DNA position 1347, A replaced by G.
Molecular consequence: intron variant.
Genome position (GRCh38, 1-based): chr16:70,265,517, T>C on the plus strand (A>G on the coding strand, the complement: AARS1 is on the minus strand). VCF-style: chr16-70265517-T-C. GRCh37 (hg19) VCF-style: chr16-70299420-T-C.
Other names: NC_000016.9:g.70299420T>C.
Identifiers: ClinVar variation 675695 (VCV000675695.3), dbSNP rs7192000, ClinGen allele CA8140852.

ClinVar aggregate classification (germline): Benign. Review status: criteria provided, multiple submitters, no conflicts (2 of 4 stars). 2 submissions from 2 submitters: Benign (2). Last evaluated 2018-06-16.

Allele frequency attached by ClinVar (database versions not stated): gnomAD exomes 0.00895 and 0.02388; ExAC 0.02939; gnomAD 0.09345 and 0.10011; ESP Exome Variant Server 0.10365; TOPMed 0.10405; 1000 Genomes Project 0.10883; 1000 Genomes Project 30x 0.11524.
gnomAD v4.1: 27,989 of 1,613,514 alleles (1.7%); highest among the groups gnomAD compares: African/African-American, 32%; 4,119 homozygotes.

Submissions (15):

GeneDx
Classification: Benign. Last evaluated: 2018-06-16. Review status: criteria provided, single submitter. Criteria: GeneDx Variant Classification (06012015). Collection method: clinical testing. Allele origin: germline. Affected: yes.
Comment: This variant is considered likely benign or benign based on one or more of the following criteria: it is a conservative change, it occurs at a poorly conserved position in the protein, it is predicted to be benign by multiple in silico algorithms, and/or has population frequency not consistent with disease.

Breakthrough Genomics
Classification: Benign. Review status: criteria provided, single submitter. Criteria: ACMG Guidelines, 2015. Collection method: not provided. Allele origin: germline. Inheritance: Autosomal recessive inheritance. Affected: yes.

Dr. Peter K. Rogan Lab, Western University
No classification provided (evidence only). Condition: Lung cancer. Review status: no classification provided. Collection method: in vitro. Allele origin: not applicable. Functional consequence: retained intron. Not counted in ClinVar's aggregate classification.

Dr. Peter K. Rogan Lab, Western University
No classification provided (evidence only). Condition: Lung cancer. Review status: no classification provided. Collection method: in vitro. Allele origin: not applicable. Functional consequence: retained intron. Not counted in ClinVar's aggregate classification.

Dr. Peter K. Rogan Lab, Western University
No classification provided (evidence only). Condition: Acute myeloid leukemia. Review status: no classification provided. Collection method: in vitro. Allele origin: not applicable. Functional consequence: retained intron. Not counted in ClinVar's aggregate classification.

Dr. Peter K. Rogan Lab, Western University
No classification provided (evidence only). Condition: Acute myeloid leukemia. Review status: no classification provided. Collection method: in vitro. Allele origin: not applicable. Functional consequence: retained intron. Not counted in ClinVar's aggregate classification.

Dr. Peter K. Rogan Lab, Western University
No classification provided (evidence only). Condition: Acute myeloid leukemia. Review status: no classification provided. Collection method: in vitro. Allele origin: not applicable. Functional consequence: retained intron. Not counted in ClinVar's aggregate classification.

Dr. Peter K. Rogan Lab, Western University
No classification provided (evidence only). Condition: Acute myeloid leukemia. Review status: no classification provided. Collection method: in vitro. Allele origin: not applicable. Functional consequence: retained intron. Not counted in ClinVar's aggregate classification.

Dr. Peter K. Rogan Lab, Western University
No classification provided (evidence only). Condition: Acute myeloid leukemia. Review status: no classification provided. Collection method: in vitro. Allele origin: not applicable. Functional consequence: retained intron. Not counted in ClinVar's aggregate classification.

Dr. Peter K. Rogan Lab, Western University
No classification provided (evidence only). Condition: Cervical cancer. Review status: no classification provided. Collection method: in vitro. Allele origin: not applicable. Functional consequence: retained intron. Not counted in ClinVar's aggregate classification.

Dr. Peter K. Rogan Lab, Western University
No classification provided (evidence only). Condition: Cervical cancer. Review status: no classification provided. Collection method: in vitro. Allele origin: not applicable. Functional consequence: retained intron. Not counted in ClinVar's aggregate classification.

Dr. Peter K. Rogan Lab, Western University
No classification provided (evidence only). Condition: Sarcoma. Review status: no classification provided. Collection method: in vitro. Allele origin: not applicable. Functional consequence: retained intron. Not counted in ClinVar's aggregate classification.

Dr. Peter K. Rogan Lab, Western University
No classification provided (evidence only). Condition: Ovarian serous cystadenocarcinoma. Review status: no classification provided. Collection method: in vitro. Allele origin: not applicable. Functional consequence: retained intron. Not counted in ClinVar's aggregate classification.

Dr. Peter K. Rogan Lab, Western University
No classification provided (evidence only). Condition: Gastric cancer. Review status: no classification provided. Collection method: in vitro. Allele origin: not applicable. Functional consequence: retained intron. Not counted in ClinVar's aggregate classification.

Dr. Peter K. Rogan Lab, Western University
No classification provided (evidence only). Condition: Gastric cancer. Review status: no classification provided. Collection method: in vitro. Allele origin: not applicable. Functional consequence: retained intron. Not counted in ClinVar's aggregate classification.